The following is an entry in ClinVar:

ClinVar aggregate classification (germline): Uncertain significance. Review status: criteria provided, single submitter (1 of 4 stars). 2 submissions from 2 submitters: Uncertain significance (1). 1 of the submissions does not count toward it. Last evaluated 2019-06-26.

Conditions:
ABCA4-related disorder. Also called: ABCA4-related disorders; ABCA4-related condition. Identifiers: MedGen CN239167.

gnomAD v4.1: 6 of 1,613,992 alleles (0.00037%); highest among the groups gnomAD compares: Non-Finnish European, 0.00051%; no homozygotes.

Submissions (2):

Blueprint Genetics
Classification: Uncertain significance. Last evaluated: 2019-06-26. Review status: criteria provided, single submitter. Criteria: ACMG Guidelines, 2015. Collection method: clinical testing. Allele origin: germline.

PreventionGenetics, part of Exact Sciences
Classification: Likely benign for ABCA4-related condition. Last evaluated: 2019-04-10. Review status: no assertion criteria provided. Collection method: clinical testing. Allele origin: germline. Not counted in ClinVar's aggregate classification.
Comment: This variant is classified as likely benign based on ACMG/AMP sequence variant interpretation guidelines (Richards et al. 2015 PMID: 25741868, with internal and published modifications).

NM_000350.3(ABCA4):c.6721C>T (p.Leu2241=)

Gene: ABCA4 (ATP binding cassette subfamily A member 4; minus strand). Cytogenetic location: 1p22.1.
Variant type: single nucleotide variant.
Coding change: c.6721C>T on transcript NM_000350.3 (MANE Select); coding-DNA position 6721, C replaced by T.
Protein change: p.Leu2241=; no amino-acid change (leucine 2241 retained).
Molecular consequence: synonymous variant.
Genome position (GRCh38, 1-based): chr1:93,997,869, G>A on the plus strand (C>T on the coding strand, the complement: ABCA4 is on the minus strand). VCF-style: chr1-93997869-G-A. GRCh37 (hg19) VCF-style: chr1-94463425-G-A.
Other names: c.6499C>T, p.Leu2167= (NM_001425324.1).
Identifiers: ClinVar variation 3041838 (VCV003041838.3), dbSNP rs61748521, ClinGen allele CA956819.